The following is an entry in ClinVar:

ClinVar aggregate classification (germline): Uncertain significance (1 of 4 stars; one submission).

gnomAD v4.1: 2 of 1,270,668 alleles (0.00016%); highest among the groups gnomAD compares: South Asian, 0.0026%; no homozygotes.

Submission:

GeneDx
Classification: Uncertain significance. Last evaluated: 2024-06-13. Review status: criteria provided, single submitter. Criteria: GeneDx Variant Classification Process June 2021. Collection method: clinical testing. Allele origin: germline. Affected: yes.
Comment: Not observed at significant frequency in large population cohorts (gnomAD); In silico analysis indicates that this missense variant does not alter protein structure/function; Has not been previously published as pathogenic or benign to our knowledge

NM_032108.4(SEMA6B):c.2078C>T (p.Thr693Met)

Gene: SEMA6B (semaphorin 6B; minus strand). Cytogenetic location: 19p13.3.
Variant type: single nucleotide variant.
Coding change: c.2078C>T on transcript NM_032108.4 (MANE Select); coding-DNA position 2078, C replaced by T.
Protein change: p.Thr693Met; replaces threonine 693 with methionine.
Molecular consequence: missense variant.
Genome position (GRCh38, 1-based): chr19:4,544,190, G>A on the plus strand (C>T on the coding strand, the complement: SEMA6B is on the minus strand). VCF-style: chr19-4544190-G-A. GRCh37 (hg19) VCF-style: chr19-4544202-G-A.
Other names: short protein forms T693M.
Identifiers: ClinVar variation 3390447 (VCV003390447.1).